The following is an entry in ClinVar:

NM_006494.4(ERF):c.217A>G (p.Lys73Glu)

Gene: ERF (ETS2 repressor factor; minus strand). Cytogenetic location: 19q13.2.
Variant type: single nucleotide variant.
Coding change: c.217A>G on transcript NM_006494.4 (MANE Select); coding-DNA position 217, A replaced by G.
Protein change: p.Lys73Glu; replaces lysine 73 with glutamic acid.
Molecular consequence: missense variant. On other transcripts: 5 prime UTR variant (4), intron variant (1).
Genome position (GRCh38, 1-based): chr19:42,250,371, T>C on the plus strand (A>G on the coding strand, the complement: ERF is on the minus strand). VCF-style: chr19-42250371-T-C. GRCh37 (hg19) VCF-style: chr19-42754523-T-C.
Other names: c.-9A>G (NM_001301035.2, NM_001308402.2, NM_001312656.2 and 1 more transcripts); c.-550-429A>G (NM_001440421.1); short protein forms K73E.
Identifiers: ClinVar variation 4976216 (VCV004976216.1).
Genomic context (GRCh38, chr19:42,250,371, plus strand): 5'-GGTCCCCAGCCCGTCCTCACCGCAGGGCCCGGCTCAGCTTGTCGTAATTCATCTGGGGCT[T>C]GCACTTGCGAACGCCCCACAGCCGGGCCACCTCATCAGGGTCTTTGATGACGAATTCCCC-3'
Protein context (NP_006485.2, residues 63-83): VARLWGVRKC[Lys73Glu]PQMNYDKLSR

ClinVar aggregate classification (germline): Uncertain significance (1 of 4 stars; one submission).

Submission:

GeneDx
Classification: Uncertain significance. Last evaluated: 2026-02-04. Review status: criteria provided, single submitter. Criteria: GeneDx Variant Classification Process June 2021. Collection method: clinical testing. Allele origin: germline.
Comment: Not observed at significant frequency in large population cohorts (gnomAD); In silico analysis supports that this missense variant has a deleterious effect on protein structure/function; Has not been previously published as pathogenic or benign to our knowledge